The following is an entry in ClinVar:

ClinVar aggregate classification (germline): Likely pathogenic (1 of 4 stars; one submission).

Conditions:
Wiskott-Aldrich syndrome (WAS). Also called: Wiskott-aldrich syndrome, somatic; ALDRICH SYNDROME; IMMUNODEFICIENCY 2; WISKOTT-ALDRICH SYNDROME 1. Identifiers: Orphanet 906, MedGen C0043194, MONDO:0010518, OMIM 301000.

Submission:

Baylor Genetics
Classification: Likely pathogenic for Wiskott-Aldrich syndrome. Last evaluated: 2019-11-01. Review status: criteria provided, single submitter. Criteria: ACMG Guidelines, 2015. Collection method: clinical testing. Allele origin: unknown. Affected: yes.
Comment: This variant was determined to be likely pathogenic according to ACMG Guidelines, 2015 [PMID:25741868].

NM_000377.3(WAS):c.374G>A (p.Gly125Glu)

Gene: WAS (WASP actin nucleation promoting factor; plus strand). Cytogenetic location: Xp11.23.
Variant type: single nucleotide variant.
Coding change: c.374G>A on transcript NM_000377.3 (MANE Select); coding-DNA position 374, G replaced by A.
Protein change: p.Gly125Glu; replaces glycine 125 with glutamic acid.
Molecular consequence: missense variant.
Genome position (GRCh38, 1-based): chrX:48,685,747, G>A. VCF-style: chrX-48685747-G-A. GRCh37 (hg19) VCF-style: chrX-48544136-G-A.
Other names: short protein forms G125E.
Identifiers: ClinVar variation 1030751 (VCV001030751.1), dbSNP rs1557006534, ClinGen allele CA412867412.